The following is an entry in ClinVar:

ClinVar aggregate classification (germline): Uncertain significance (1 of 4 stars; one submission).

Conditions:
KCNJ13-related condition.

gnomAD v4.1: 6 of 1,606,672 alleles (0.00037%); highest among the groups gnomAD compares: Non-Finnish European, 0.00043%; no homozygotes.

Submission:

PreventionGenetics, part of Exact Sciences
Classification: Uncertain significance for KCNJ13-related condition. Last evaluated: 2025-07-31. Review status: criteria provided, single submitter. Criteria: ACMG Guidelines, 2015. Collection method: clinical testing. Allele origin: germline.
Comment: The KCNJ13 c.6C>T variant is not predicted to result in an amino acid change (p.=). To our knowledge, this variant has not been reported in the literature. This variant is present in 0.0065% of alleles in individuals of European (Non-Finnish) descent in gnomAD. At this time, the clinical significance of this variant is uncertain due to the absence of conclusive functional and genetic evidence.

NM_002242.4(KCNJ13):c.6C>T (p.Asp2=)

Genes: GIGYF2 (GRB10 interacting GYF protein 2; plus strand), KCNJ13 (potassium inwardly rectifying channel subfamily J member 13; minus strand). Cytogenetic location: 2q37.1.
Variant type: single nucleotide variant.
Coding change: c.6C>T on transcript NM_002242.4 (MANE Select); coding-DNA position 6, C replaced by T.
Protein change: p.Asp2=; no amino-acid change (aspartic acid 2 retained).
Molecular consequence: synonymous variant. On other transcripts: intron variant (5).
Genome position (GRCh38, 1-based): chr2:232,771,357, G>A on the plus strand (C>T on the coding strand, the complement: KCNJ13 is on the minus strand). VCF-style: chr2-232771357-G-A. GRCh37 (hg19) VCF-style: chr2-233636067-G-A.
Other names: c.6C>T, p.Asp2= (NM_001172416.1); c.532+9921G>A (NM_001103146.3, NM_015575.4, NM_001103148.2); c.533-5055G>A (NM_001103147.2); c.-23-212C>T (NM_001172417.1).
Identifiers: ClinVar variation 4987295 (VCV004987295.1).